The following is an entry in ClinVar:

ClinVar aggregate classification (germline): Uncertain significance (1 of 4 stars; one submission).

Conditions:
Early-infantile DEE. Also called: Early infantile epileptic encephalopathy; Early infantile epileptic encephalopathy with suppression bursts; Ohtahara syndrome. Identifiers: Orphanet 1934, MedGen C0393706, MONDO:0800491.

gnomAD v4.1: 1 of 1,613,702 alleles (0.000062%); highest among the groups gnomAD compares: African/African-American, 0.0013%; no homozygotes.

Submission:

Labcorp Genetics (formerly Invitae), Labcorp
Classification: Uncertain significance for Early-infantile DEE. Last evaluated: 2025-03-20. Review status: criteria provided, single submitter. Criteria: Invitae Variant Classification Sherloc (09022015). Collection method: clinical testing. Allele origin: germline.
Comment: This sequence change replaces glycine, which is neutral and non-polar, with glutamic acid, which is acidic and polar, at codon 256 of the KCNQ2 protein (p.Gly256Glu). This variant is not present in population databases (gnomAD no frequency). This variant has not been reported in the literature in individuals affected with KCNQ2-related conditions. Invitae Evidence Modeling of protein sequence and biophysical properties (such as structural, functional, and spatial information, amino acid conservation, physicochemical variation, residue mobility, and thermodynamic stability) has been performed for this missense variant. However, the output from this modeling did not meet the statistical confidence thresholds required to predict the impact of this variant on KCNQ2 protein function. This variant disrupts the p.Gly256 amino acid residue in KCNQ2. Other variant(s) that disrupt this residue have been determined to be pathogenic (internal data). This suggests that this residue is clinically significant, and that variants that disrupt this residue are likely to be disease-causing. In summary, the available evidence is currently insufficient to determine the role of this variant in disease. Therefore, it has been classified as a Variant of Uncertain Significance.

NM_172107.4(KCNQ2):c.767G>A (p.Gly256Glu)

Gene: KCNQ2 (potassium voltage-gated channel subfamily Q member 2; minus strand). Cytogenetic location: 20q13.33.
Variant type: single nucleotide variant.
Coding change: c.767G>A on transcript NM_172107.4 (MANE Select); coding-DNA position 767, G replaced by A.
Protein change: p.Gly256Glu; replaces glycine 256 with glutamic acid.
Molecular consequence: missense variant.
Genome position (GRCh38, 1-based): chr20:63,442,455, C>T on the plus strand (G>A on the coding strand, the complement: KCNQ2 is on the minus strand). VCF-style: chr20-63442455-C-T. GRCh37 (hg19) VCF-style: chr20-62073808-C-T.
Other names: c.767G>A, p.Gly256Glu (NM_001382235.1, NM_001439003.1, NM_001439004.1 and 4 more transcripts); short protein forms G256E.
Identifiers: ClinVar variation 4803155 (VCV004803155.1).